The following is an entry in ClinVar:

NM_207361.6(FREM2):c.304G>C (p.Gly102Arg)

Gene: FREM2 (FRAS1 related extracellular matrix 2; plus strand). Cytogenetic location: 13q13.3.
Variant type: single nucleotide variant.
Coding change: c.304G>C on transcript NM_207361.6 (MANE Select); coding-DNA position 304, G replaced by C.
Protein change: p.Gly102Arg; replaces glycine 102 with arginine.
Molecular consequence: missense variant.
Genome position (GRCh38, 1-based): chr13:38,687,648, G>C. VCF-style: chr13-38687648-G-C. GRCh37 (hg19) VCF-style: chr13-39261785-G-C.
Other names: short protein forms G102R.
Identifiers: ClinVar variation 1307354 (VCV001307354.2), dbSNP rs1869535237, ClinGen allele CA387881956.

ClinVar aggregate classification (germline): Uncertain significance (1 of 4 stars; one submission).

gnomAD v4.1: 2 of 1,606,374 alleles (0.00012%); highest among the groups gnomAD compares: Non-Finnish European, 0.00017%; no homozygotes.

Submission:

GeneDx
Classification: Uncertain significance. Last evaluated: 2019-08-09. Review status: criteria provided, single submitter. Criteria: GeneDx Variant Classification Process June 2021. Collection method: clinical testing. Allele origin: germline. Affected: yes.
Comment: Not observed in large population cohorts (Lek et al., 2016); In silico analysis, which includes protein predictors and evolutionary conservation, supports a deleterious effect; Has not been previously published as pathogenic or benign to our knowledge